The following is an entry in ClinVar:

NM_152393.4(KLHL40):c.-14C>G

Gene: KLHL40 (kelch like family member 40; plus strand). Cytogenetic location: 3p22.1.
Variant type: single nucleotide variant.
Coding change: c.-14C>G on transcript NM_152393.4 (MANE Select); 14 bases upstream of the start codon, C replaced by G.
Molecular consequence: 5 prime UTR variant.
Genome position (GRCh38, 1-based): chr3:42,685,605, C>G. VCF-style: chr3-42685605-C-G. GRCh37 (hg19) VCF-style: chr3-42727097-C-G.
Identifiers: ClinVar variation 511677 (VCV000511677.1), dbSNP rs750666877, ClinGen allele CA2336540.
Genomic context (GRCh38, chr3:42,685,605, plus strand): 5'-CAAACCCCAGCAGGAAAGCAGGGGTACAGAGAGGAGCCCCCTTGGCACCGCCACCGCACC[C>G]TAGGCCACCCACCATGGCGCTGGGCTTGGAGCAGGCGGAGGAGCAGCGGTTGTACCAGCA-3'

ClinVar aggregate classification (germline): Likely benign (1 of 4 stars; one submission).

Allele frequency attached by ClinVar (database versions not stated): TOPMed 0.00006; gnomAD 0.00008 and 0.00009; ExAC 0.00009; gnomAD exomes 0.00009.
gnomAD v4.1: 171 of 1,571,014 alleles (0.011%); highest among the groups gnomAD compares: Non-Finnish European, 0.013%; no homozygotes.

Submission:

GeneDx
Classification: Likely benign. Last evaluated: 2017-08-24. Review status: criteria provided, single submitter. Criteria: GeneDx Variant Classification (06012015). Collection method: clinical testing. Allele origin: germline. Affected: yes.
Comment: This variant is considered likely benign or benign based on one or more of the following criteria: it is a conservative change, it occurs at a poorly conserved position in the protein, it is predicted to be benign by multiple in silico algorithms, and/or has population frequency not consistent with disease.